The following is an entry in ClinVar:

ClinVar aggregate classification (germline): Likely benign (1 of 4 stars; one submission).

Submission:

CeGaT Center for Human Genetics Tuebingen
Classification: Likely benign. Last evaluated: 2022-11-01. Review status: criteria provided, single submitter. Criteria: CeGaT Center For Human Genetics Tuebingen Variant Classification Criteria Version 2. Collection method: clinical testing. Allele origin: germline. Affected: yes. Observed: 1 variant allele.
Comment: TBC1D3C: BS2; TBC1D3B: BS2

NC_000017.11:g.36260853C>A

Genes: TBC1D3B (TBC1 domain family member 3B; minus strand), TBC1D3I (TBC1 domain family member 3I; minus strand). Cytogenetic location: 17q12.
Variant type: single nucleotide variant.
Molecular consequence: missense variant (on NM_001291463.2).
Genome position: GRCh38 VCF-style: chr17-36260853-C-A. GRCh37 (hg19) VCF-style: chr17-34588322-C-A.
Other names: c.206G>T, p.Arg69Leu (NM_001291463.2); short protein forms R69L.
Identifiers: ClinVar variation 2647683 (VCV002647683.21), dbSNP rs2544845551, ClinGen allele CA399253992.
Genomic context (GRCh38, chr17:36,260,853, plus strand): 5'-TTGTATTTCTCCCAGTCTCCCAGCATATCCACCCACTTGCTCTTTCGGCTGATCTCCCGC[C>A]GAATTTGCTGTCAAATGAGGCATGTTGGAGTTAGCGGAGCTGCCAGGCTTCCCAGAGCCG-3'